The following is an entry in ClinVar:

ClinVar aggregate classification (germline): Uncertain significance (1 of 4 stars; one submission).

Conditions:
Hereditary cancer-predisposing syndrome. Also called: Tumor predisposition; Hereditary neoplastic syndrome; Hereditary Cancer Syndrome; Neoplastic Syndromes, Hereditary. Identifiers: Orphanet 140162, MedGen C0027672, MeSH D009386, MONDO:0015356.

Submission:

Ambry Genetics
Classification: Uncertain significance for Hereditary cancer-predisposing syndrome. Last evaluated: 2025-12-11. Review status: criteria provided, single submitter. Criteria: Ambry Variant Classification Scheme 2023. Collection method: clinical testing. Allele origin: germline.
Comment: The p.E1558Q variant (also known as c.4672G>C), located in coding exon 29 of the ALK gene, results from a G to C substitution at nucleotide position 4672. The glutamic acid at codon 1558 is replaced by glutamine, an amino acid with highly similar properties. This amino acid position is conserved. In addition, this alteration is predicted to be tolerated by in silico analysis. Since supporting evidence is limited at this time, the clinical significance of this alteration remains unclear.

NM_004304.5(ALK):c.4672G>C (p.Glu1558Gln)

Gene: ALK (ALK receptor tyrosine kinase; minus strand). Cytogenetic location: 2p23.2.
Variant type: single nucleotide variant.
Coding change: c.4672G>C on transcript NM_004304.5 (MANE Select); coding-DNA position 4672, G replaced by C.
Protein change: p.Glu1558Gln; replaces glutamic acid 1558 with glutamine.
Molecular consequence: missense variant.
Genome position (GRCh38, 1-based): chr2:29,193,415, C>G on the plus strand (G>C on the coding strand, the complement: ALK is on the minus strand). VCF-style: chr2-29193415-C-G. GRCh37 (hg19) VCF-style: chr2-29416281-C-G.
Other names: c.1468G>C, p.Glu490Gln (NM_001353765.2); short protein forms E1558Q, E490Q.
Identifiers: ClinVar variation 3223911 (VCV003223911.2), dbSNP rs1181414697, ClinGen allele CA346460487.